The following is an entry in ClinVar:

NM_206937.2(LIG4):c.2212_2213delinsAT (p.Trp738Met)

Gene: LIG4 (DNA ligase 4; minus strand). Cytogenetic location: 13q33.3.
Variant type: Indel.
Coding change: c.2212_2213delinsAT on transcript NM_206937.2 (MANE Select); coding-DNA positions 2212 to 2213, TG replaced by AT.
Protein change: p.Trp738Met; replaces tryptophan 738 with methionine.
Molecular consequence: missense variant.
Genome position (GRCh38, 1-based): chr13:108,209,056-108,209,057, CA replaced by AT on the plus strand (TG replaced by AT on the coding strand, the reverse complement: LIG4 is on the minus strand). VCF-style: chr13-108209056-CA-AT. GRCh37 (hg19) VCF-style: chr13-108861404-CA-AT.
Other names: c.2212_2213delinsAT, p.Trp738Met (NM_001098268.2, NM_001352598.2, NM_001352599.2 and 6 more transcripts); c.2011_2012delinsAT, p.Trp671Met (NM_001330595.2); c.2248_2249delinsAT, p.Trp750Met (NM_001352604.2); short protein forms W671M, W738M, W750M.
Identifiers: ClinVar variation 1800849 (VCV001800849.3), dbSNP rs2501583365, ClinGen allele CA2580087251.

ClinVar aggregate classification (germline): Uncertain significance. Review status: criteria provided, multiple submitters, no conflicts (2 of 4 stars). 2 submissions from 2 submitters: Uncertain significance (2). Last evaluated 2025-04-26.

Conditions:
DNA ligase IV deficiency. Identifiers: Orphanet 99812, MedGen C1847827, MONDO:0011686, OMIM 606593.

Submissions (2):

Labcorp Genetics (formerly Invitae), Labcorp
Classification: Uncertain significance for DNA ligase IV deficiency. Last evaluated: 2025-04-26. Review status: criteria provided, single submitter. Criteria: Invitae Variant Classification Sherloc (09022015). Collection method: clinical testing. Allele origin: germline.
Comment: This sequence change replaces tryptophan, which is neutral and slightly polar, with methionine, which is neutral and non-polar, at codon 738 of the LIG4 protein (p.Trp738Met). Information on the frequency of this variant in the gnomAD database is not available, as this variant may be reported differently in the database. This variant has not been reported in the literature in individuals affected with LIG4-related conditions. ClinVar contains an entry for this variant (Variation ID: 1800849). An algorithm developed to predict the effect of missense changes on protein structure and function (PolyPhen-2) suggests that this variant is likely to be disruptive. In summary, the available evidence is currently insufficient to determine the role of this variant in disease. Therefore, it has been classified as a Variant of Uncertain Significance.

GeneDx
Classification: Uncertain significance. Last evaluated: 2023-03-06. Review status: criteria provided, single submitter. Criteria: GeneDx Variant Classification Process June 2021. Collection method: clinical testing. Allele origin: germline.
Comment: Not observed at significant frequency in large population cohorts (gnomAD); In silico analysis supports a deleterious effect on protein structure/function; Has not been previously published as pathogenic or benign to our knowledge